The following is an entry in ClinVar:

NM_001283009.2(RTEL1):c.2092G>A (p.Val698Met)

Genes: RTEL1 (regulator of telomere elongation helicase 1; plus strand), RTEL1-TNFRSF6B (RTEL1-TNFRSF6B readthrough (NMD candidate); plus strand). Cytogenetic location: 20q13.33.
Variant type: single nucleotide variant.
Coding change: c.2092G>A on transcript NM_001283009.2 (MANE Select); coding-DNA position 2092, G replaced by A.
Protein change: p.Val698Met; replaces valine 698 with methionine.
Molecular consequence: missense variant. On other transcripts: non-coding transcript variant (1).
Genome position (GRCh38, 1-based): chr20:63,689,816, G>A. VCF-style: chr20-63689816-G-A. GRCh37 (hg19) VCF-style: chr20-62321169-G-A.
Other names: c.1423G>A, p.Val475Met (NM_001283010.1); c.2092G>A, p.Val698Met (NM_016434.4); c.2164G>A, p.Val722Met (NM_032957.5); short protein forms V475M, V722M, V698M.
Identifiers: ClinVar variation 4629553 (VCV004629553.1).

ClinVar aggregate classification (germline): Uncertain significance (1 of 4 stars; one submission).

Conditions:
Inborn genetic diseases. Identifiers: MedGen C0950123, MeSH D030342.

Submission:

Ambry Genetics
Classification: Uncertain significance for Inborn genetic diseases. Last evaluated: 2025-10-21. Review status: criteria provided, single submitter. Criteria: Ambry Variant Classification Scheme 2023. Collection method: clinical testing. Allele origin: germline.
Comment: The p.V698M variant (also known as c.2092G>A), located in coding exon 23 of the RTEL1 gene, results from a G to A substitution at nucleotide position 2092. The valine at codon 698 is replaced by methionine, an amino acid with highly similar properties. This amino acid position is conserved. In addition, this alteration is predicted to be deleterious by in silico analysis. Based on the available evidence, the clinical significance of this variant remains unclear.